The following is an entry in ClinVar:

NM_003680.3(YARS1):c.-741C>T

Genes: S100PBP (S100P binding protein; plus strand), YARS1 (tyrosyl-tRNA synthetase 1; minus strand), LOC132088696 (Neanderthal introgressed variant-containing enhancer experimental_6822; plus strand). Cytogenetic location: 1p35.1.
Variant type: single nucleotide variant.
Coding change: c.-741C>T on transcript NM_003680.3; 741 bases upstream of the start codon, C replaced by T.
Molecular consequence: intron variant (on NM_022753.4).
Genome position (GRCh38, 1-based): chr1:32,817,985, G>A on the plus strand (C>T on the coding strand, the complement: YARS1 is on the minus strand). VCF-style: chr1-32817985-G-A. GRCh37 (hg19) VCF-style: chr1-33283586-G-A.
Other names: c.-120+386G>A (NM_001256121.2); c.-120+296G>A (NM_022753.4).
Identifiers: ClinVar variation 297177 (VCV000297177.7), dbSNP rs547181978, ClinGen allele CA10609857.

ClinVar aggregate classification (germline): Benign (1 of 4 stars; one submission).

Conditions:
Charcot-Marie-Tooth disease dominant intermediate C (CMTDIC). Also called: CHARCOT-MARIE-TOOTH NEUROPATHY, DOMINANT INTERMEDIATE C. Identifiers: Orphanet 100045, MedGen C1842237, MONDO:0012012, OMIM 608323.

Allele frequency attached by ClinVar (database versions not stated): TOPMed 0.00002; 1000 Genomes Project 30x 0.00125; 1000 Genomes Project 0.00080.

Submission:

Illumina Laboratory Services, Illumina
Classification: Benign for Charcot-Marie-Tooth disease dominant intermediate C. Last evaluated: 2018-01-13. Review status: criteria provided, single submitter. Criteria: ICSL Variant Classification Criteria 13 December 2019. Collection method: clinical testing. Allele origin: germline.
Comment: This variant was observed in the ICSL laboratory as part of a predisposition screen in an ostensibly healthy population. It had not been previously curated by ICSL or reported in the Human Gene Mutation Database (HGMD: prior to June 1st, 2018), and was therefore a candidate for classification through an automated scoring system. Utilizing variant allele frequency, disease prevalence and penetrance estimates, and inheritance mode, an automated score was calculated to assess if this variant is too frequent to cause the disease. Based on the score and internal cut-off values, a variant classified as benign is not then subjected to further curation. The score for this variant resulted in a classification of benign for this disease.